The following is an entry in ClinVar:

NM_004447.6(EPS8):c.1102G>A (p.Val368Met)

Gene: EPS8 (EGFR pathway substrate 8, signaling adaptor; minus strand). Cytogenetic location: 12p12.3.
Variant type: single nucleotide variant.
Coding change: c.1102G>A on transcript NM_004447.6 (MANE Select); coding-DNA position 1102, G replaced by A.
Protein change: p.Val368Met; replaces valine 368 with methionine.
Molecular consequence: missense variant.
Genome position (GRCh38, 1-based): chr12:15,654,293, C>T on the plus strand (G>A on the coding strand, the complement: EPS8 is on the minus strand). VCF-style: chr12-15654293-C-T. GRCh37 (hg19) VCF-style: chr12-15807227-C-T.
Other names: c.1102G>A, p.Val368Met (NM_001413831.1, NM_001413832.1, NM_001413833.1 and 2 more transcripts); c.862G>A, p.Val288Met (NM_001413835.1, NM_001413836.1); c.685G>A, p.Val229Met (NM_001413837.1); c.322G>A, p.Val108Met (NM_001413838.1); short protein forms V368M, V229M, V288M, V108M.
Identifiers: ClinVar variation 2277571 (VCV002277571.3), dbSNP rs763005561, ClinGen allele CA6467657.

ClinVar aggregate classification (germline): Uncertain significance. Review status: criteria provided, multiple submitters, no conflicts (2 of 4 stars). 2 submissions from 2 submitters: Uncertain significance (2). Last evaluated 2022-12-29.

Conditions:
Inborn genetic diseases. Identifiers: MedGen C0950123, MeSH D030342.

Allele frequency attached by ClinVar (database versions not stated): gnomAD exomes below 0.00001; ExAC 0.00003.
gnomAD v4.1: 10 of 1,612,140 alleles (0.00062%); highest among the groups gnomAD compares: African/African-American, 0.008%; no homozygotes.

Submissions (2):

GeneDx
Classification: Uncertain significance. Last evaluated: 2022-12-29. Review status: criteria provided, single submitter. Criteria: GeneDx Variant Classification Process June 2021. Collection method: clinical testing. Allele origin: germline. Affected: yes.
Comment: In silico analysis supports that this missense variant does not alter protein structure/function; In silico analysis is inconclusive as to whether the variant alters gene splicing. In the absence of RNA/functional studies, the actual effect of this sequence change is unknown.; Has not been previously published as pathogenic or benign to our knowledge

Ambry Genetics
Classification: Uncertain significance for Inborn genetic diseases. Last evaluated: 2022-02-17. Review status: criteria provided, single submitter. Criteria: Ambry Variant Classification Scheme 2023. Collection method: clinical testing. Allele origin: germline.